The following is an entry in ClinVar:

NM_006648.4(WNK2):c.419A>T (p.Asp140Val)

Gene: WNK2 (WNK lysine deficient protein kinase 2; plus strand). Cytogenetic location: 9q22.31.
Variant type: single nucleotide variant.
Coding change: c.419A>T on transcript NM_006648.4 (MANE Select); coding-DNA position 419, A replaced by T.
Protein change: p.Asp140Val; replaces aspartic acid 140 with valine.
Molecular consequence: missense variant.
Genome position (GRCh38, 1-based): chr9:93,185,348, A>T. VCF-style: chr9-93185348-A-T. GRCh37 (hg19) VCF-style: chr9-95947630-A-T.
Other names: c.419A>T, p.Asp140Val (NM_001282394.3); short protein forms D140V.
Identifiers: ClinVar variation 3817224 (VCV003817224.1).

ClinVar aggregate classification (germline): Uncertain significance (1 of 4 stars; one submission).

Submission:

Ambry Genetics
Classification: Uncertain significance. Last evaluated: 2025-03-07. Review status: criteria provided, single submitter. Criteria: Ambry Variant Classification Scheme 2023. Collection method: clinical testing. Allele origin: germline.
Comment: The p.D140V variant (also known as c.419A>T), located in coding exon 1 of the WNK2 gene, results from an A to T substitution at nucleotide position 419. The aspartic acid at codon 140 is replaced by valine, an amino acid with highly dissimilar properties. This amino acid position is conserved. In addition, this alteration is predicted to be tolerated by in silico analysis. Based on the available evidence, the clinical significance of this variant remains unclear.